The following is an entry in ClinVar:

NM_032525.3(TUBB6):c.375G>C (p.Glu125Asp)

Gene: TUBB6 (tubulin beta 6 class V; plus strand). Cytogenetic location: 18p11.21.
Variant type: single nucleotide variant.
Coding change: c.375G>C on transcript NM_032525.3 (MANE Select); coding-DNA position 375, G replaced by C.
Protein change: p.Glu125Asp; replaces glutamic acid 125 with aspartic acid.
Molecular consequence: missense variant. On other transcripts: 5 prime UTR variant (2), intron variant (1).
Genome position (GRCh38, 1-based): chr18:12,325,164, G>C. VCF-style: chr18-12325164-G-C. GRCh37 (hg19) VCF-style: chr18-12325163-G-C.
Other names: NM_001303530.3:c.-64G>C; c.375G>C, p.Glu125Asp (NM_001303524.1); c.264G>C, p.Glu88Asp (NM_001303526.2); c.159G>C, p.Glu53Asp (NM_001303527.2); c.180G>C, p.Glu60Asp (NM_001303528.2); c.-64G>C (NM_001303529.3, NM_001303530.3); c.278-3982G>C (NM_001303525.2); short protein forms E125D, E53D, E60D, E88D.
Identifiers: ClinVar variation 3061814 (VCV003061814.1), dbSNP rs144890684, ClinGen allele CA296682887.

ClinVar aggregate classification (germline): Uncertain significance (1 of 4 stars; one submission).

Conditions:
Facial palsy, congenital, with ptosis and velopharyngeal dysfunction. Identifiers: MedGen C4540277, MONDO:0060589, OMIM 617732.

Allele frequency attached by ClinVar (database versions not stated): TOPMed below 0.00001; ESP Exome Variant Server 0.00008.
gnomAD v4.1: 11 of 1,613,786 alleles (0.00068%); highest among the groups gnomAD compares: Non-Finnish European, 0.00093%; no homozygotes.

Submission:

Broad Center for Mendelian Genomics, Broad Institute of MIT and Harvard
Classification: Uncertain significance for Facial palsy, congenital, with ptosis and velopharyngeal dysfunction. Last evaluated: 2024-03-12. Review status: criteria provided, single submitter. Criteria: ACMG Guidelines, 2015. Collection method: curation. Allele origin: germline. Inheritance: Autosomal dominant inheritance.
Comment: The p.Glu125Asp variant in TUBB6 has not been previously reported in individuals with congenital facial palsy with ptosis and velopharyngeal dysfunction. This variant was absent from large population studies. Computational prediction tools and conservation analyses do not provide strong support for or against an impact to the protein. In summary, the clinical significance of the p.Glu125Asp variant in TUBB6 is uncertain. ACMG/AMP Criteria applied: PM2_Supporting (Richards 2015).

Literature cited by the submitters: PubMed 39033378.